The following is an entry in ClinVar:

ClinVar aggregate classification (germline): Conflicting classifications of pathogenicity. Review status: criteria provided, conflicting classifications (1 of 4 stars). 4 submissions from 4 submitters: Uncertain significance (3); Likely benign (1). Last evaluated 2026-01-13.

Conditions:
Inborn genetic diseases. Identifiers: MedGen C0950123, MeSH D030342.
NEFL-related disorder. Also called: NEFL-related condition.
Charcot-Marie-Tooth disease type 2E (CMT2E). Also called: CHARCOT-MARIE-TOOTH DISEASE, AXONAL, TYPE 2E; CHARCOT-MARIE-TOOTH NEUROPATHY, TYPE 2E. Identifiers: Orphanet 99939, MedGen C1843225, MONDO:0011894, OMIM 607684.
Charcot-Marie-Tooth disease type 1F. Also called: Charcot-Marie-Tooth disease, demyelinating, type 1f; CHARCOT-MARIE-TOOTH NEUROPATHY, TYPE 1F. Identifiers: Orphanet 101085, MedGen C1843164, MONDO:0011902, OMIM 607734.

Allele frequency attached by ClinVar (database versions not stated): gnomAD 0.00003; TOPMed 0.00007; ExAC 0.00011; gnomAD exomes 0.00011.

Submissions (4):

PreventionGenetics, part of Exact Sciences
Classification: Uncertain significance for NEFL-related condition. Last evaluated: 2026-01-13. Review status: criteria provided, single submitter. Criteria: ACMG Guidelines, 2015. Collection method: clinical testing. Allele origin: germline.
Comment: The NEFL c.1315T>A variant is predicted to result in the amino acid substitution p.Phe439Ile. This variant has been reported in an individual with Charcot-Marie-Tooth disease (Sivera et al. 2013. PubMed ID: 24078732). This variant is reported in 0.072% of alleles in individuals of Latino descent in gnomAD. Although we suspect that this variant may be benign, at this time, the clinical significance of this variant is uncertain due to the absence of conclusive functional and genetic evidence.

Labcorp Genetics (formerly Invitae), Labcorp
Classification: Uncertain significance for Charcot-Marie-Tooth disease type 2E. Last evaluated: 2025-12-16. Review status: criteria provided, single submitter. Criteria: Invitae Variant Classification Sherloc (09022015). Collection method: clinical testing. Allele origin: germline.
Comment: This sequence change replaces phenylalanine, which is neutral and non-polar, with isoleucine, which is neutral and non-polar, at codon 439 of the NEFL protein (p.Phe439Ile). This variant is present in population databases (rs199775873, gnomAD 0.07%). This missense change has been observed in individual(s) with Charcot-Marie-Tooth disease (PMID: 24078732, 28501821). ClinVar contains an entry for this variant (Variation ID: 908821). Invitae Evidence Modeling of protein sequence and biophysical properties (such as structural, functional, and spatial information, amino acid conservation, physicochemical variation, residue mobility, and thermodynamic stability) has been performed for this missense variant. However, the output from this modeling did not meet the statistical confidence thresholds required to predict the impact of this variant on NEFL protein function. In summary, the available evidence is currently insufficient to determine the role of this variant in disease. Therefore, it has been classified as a Variant of Uncertain Significance.

Ambry Genetics
Classification: Uncertain significance for Inborn genetic diseases. Last evaluated: 2020-10-21. Review status: criteria provided, single submitter. Criteria: Ambry Variant Classification Scheme 2023. Collection method: clinical testing. Allele origin: germline.
Comment: The p.F439I variant (also known as c.1315T>A), located in coding exon 3 of the NEFL gene, results from a T to A substitution at nucleotide position 1315. The phenylalanine at codon 439 is replaced by isoleucine, an amino acid with highly similar properties. This amino acid position is well conserved in available vertebrate species. This alteration has been reported in a heterozygous state in a single individual with Charcot-Marie-Tooth disease (Sivera R et al. Neurology, 2013 Oct;81:1617-25). In addition, the in silico prediction for this alteration is inconclusive. Since supporting evidence is limited at this time, the clinical significance of this alteration remains unclear.

Illumina Laboratory Services, Illumina
Classification: Likely benign for Charcot-Marie-Tooth disease type 1F. Last evaluated: 2018-01-13. Review status: criteria provided, single submitter. Criteria: ICSL Variant Classification Criteria 13 December 2019. Collection method: clinical testing. Allele origin: germline.
Comment: This variant was observed in the ICSL laboratory as part of a predisposition screen in an ostensibly healthy population. It had not been previously curated by ICSL or reported in the Human Gene Mutation Database (HGMD: prior to June 1st, 2018), and was therefore a candidate for classification through an automated scoring system. Utilizing variant allele frequency, disease prevalence and penetrance estimates, and inheritance mode, an automated score was calculated to assess if this variant is too frequent to cause the disease. Based on the score and internal cut-off values, a variant classified as likely benign is not then subjected to further curation. The score for this variant resulted in a classification of likely benign for this disease.

Literature cited by the submitters: PubMed 24078732 (cited by Labcorp Genetics (formerly Invitae), Labcorp and Ambry Genetics); PubMed 28501821 (cited by Labcorp Genetics (formerly Invitae), Labcorp and Ambry Genetics).

NM_006158.5(NEFL):c.1315T>A (p.Phe439Ile)

Gene: NEFL (neurofilament light chain; minus strand). Cytogenetic location: 8p21.2.
Variant type: single nucleotide variant.
Coding change: c.1315T>A on transcript NM_006158.5 (MANE Select); coding-DNA position 1315, T replaced by A.
Protein change: p.Phe439Ile; replaces phenylalanine 439 with isoleucine.
Molecular consequence: missense variant.
Genome position (GRCh38, 1-based): chr8:24,953,650, A>T on the plus strand (T>A on the coding strand, the complement: NEFL is on the minus strand). VCF-style: chr8-24953650-A-T. GRCh37 (hg19) VCF-style: chr8-24811164-A-T.
Other names: short protein forms F439I.
Identifiers: ClinVar variation 908821 (VCV000908821.13), dbSNP rs199775873, ClinGen allele CA4681295.